The following is an entry in ClinVar:

NM_144643.4(SCLT1):c.225A>C (p.Lys75Asn)

Gene: SCLT1 (sodium channel and clathrin linker 1; minus strand). Cytogenetic location: 4q28.2.
Variant type: single nucleotide variant.
Coding change: c.225A>C on transcript NM_144643.4 (MANE Select); coding-DNA position 225, A replaced by C.
Protein change: p.Lys75Asn; replaces lysine 75 with asparagine.
Molecular consequence: missense variant.
Genome position (GRCh38, 1-based): chr4:129,043,404, T>G on the plus strand (A>C on the coding strand, the complement: SCLT1 is on the minus strand). VCF-style: chr4-129043404-T-G. GRCh37 (hg19) VCF-style: chr4-129964559-T-G.
Other names: c.225A>C, p.Lys75Asn (NM_001300897.2, NM_001300898.2); c.225A>C (NM_144643.3); short protein forms K75N.
Identifiers: ClinVar variation 1468350 (VCV001468350.9), dbSNP rs1747883310, ClinGen allele CA358187537.

ClinVar aggregate classification (germline): Uncertain significance. Review status: criteria provided, multiple submitters, no conflicts (2 of 4 stars). 2 submissions from 2 submitters: Uncertain significance (2). Last evaluated 2024-11-03.

Conditions:
SCLT1-related disorder. Also called: SCLT1-related condition.

Submissions (2):

PreventionGenetics, part of Exact Sciences
Classification: Uncertain significance for SCLT1-related condition. Last evaluated: 2024-11-03. Review status: criteria provided, single submitter. Criteria: ACMG Guidelines, 2015. Collection method: clinical testing. Allele origin: germline.
Comment: The SCLT1 c.225A>C variant is predicted to result in the amino acid substitution p.Lys75Asn. To our knowledge, this variant has not been reported in the literature or in a large population database (gnomAD), indicating this variant is rare. At this time, the clinical significance of this variant is uncertain due to the absence of conclusive functional and genetic evidence.

Labcorp Genetics (formerly Invitae), Labcorp
Classification: Uncertain significance. Last evaluated: 2021-07-08. Review status: criteria provided, single submitter. Criteria: Invitae Variant Classification Sherloc (09022015). Collection method: clinical testing. Allele origin: germline.
Comment: This variant has not been reported in the literature in individuals affected with SCLT1-related conditions. This variant is not present in population databases (ExAC no frequency). This sequence change replaces lysine with asparagine at codon 75 of the SCLT1 protein (p.Lys75Asn). The lysine residue is moderately conserved and there is a moderate physicochemical difference between lysine and asparagine. In summary, the available evidence is currently insufficient to determine the role of this variant in disease. Therefore, it has been classified as a Variant of Uncertain Significance. Algorithms developed to predict the effect of missense changes on protein structure and function (SIFT, PolyPhen-2, Align-GVGD) all suggest that this variant is likely to be tolerated.